The following is an entry in ClinVar:

ClinVar aggregate classification (germline): Benign/Likely benign. Review status: criteria provided, multiple submitters, no conflicts (2 of 4 stars). 5 submissions from 5 submitters: Benign (1); Likely benign (2). 2 of the submissions do not count toward it. Last evaluated 2026-03-01.

Allele frequency attached by ClinVar (database versions not stated): 1000 Genomes Project 0.00260; 1000 Genomes Project 30x 0.00281; TOPMed 0.00771; gnomAD exomes 0.00775 and 0.01208; gnomAD 0.00788 and 0.00804; ExAC 0.00818; ESP Exome Variant Server 0.00877.
gnomAD v4.1: 18,745 of 1,614,146 alleles (1.2%); highest among the groups gnomAD compares: Non-Finnish European, 1.4%; 155 homozygotes.

Submissions (5):

CeGaT Center for Human Genetics Tuebingen
Classification: Benign. Last evaluated: 2026-03-01. Review status: criteria provided, single submitter. Criteria: CeGaT Center For Human Genetics Tuebingen Variant Classification Criteria Version 2. Collection method: clinical testing. Allele origin: germline. Affected: yes. Observed: 3 variant alleles.
Comment: FLG: BP4, BS1, BS2

GeneDx
Classification: Likely benign. Last evaluated: 2018-07-09. Review status: criteria provided, single submitter. Criteria: GeneDx Variant Classification Process June 2021. Collection method: clinical testing. Allele origin: germline. Affected: yes.

Breakthrough Genomics
Classification: Likely benign. Review status: criteria provided, single submitter. Criteria: ACMG Guidelines, 2015. Collection method: not provided. Allele origin: germline. Inheritance: Autosomal dominant inheritance. Affected: yes.

Clinical Genetics DNA and cytogenetics Diagnostics Lab, Erasmus MC, Erasmus Medical Center
Classification: Likely benign. Review status: no assertion criteria provided. Collection method: clinical testing. Allele origin: germline. Affected: yes. Study: VKGL Data-share Consensus. Not counted in ClinVar's aggregate classification.

Laboratory of Diagnostic Genome Analysis, Leiden University Medical Center (LUMC)
Classification: Likely benign. Review status: no assertion criteria provided. Collection method: clinical testing. Allele origin: germline. Affected: yes. Study: VKGL Data-share Consensus. Not counted in ClinVar's aggregate classification.

NM_002016.2(FLG):c.6220G>C (p.Glu2074Gln)

Genes: CCDST (cervical cancer associated DHX9 suppressive transcript; plus strand), FLG (filaggrin; minus strand). Cytogenetic location: 1q21.3.
Variant type: single nucleotide variant.
Coding change: c.6220G>C on transcript NM_002016.2 (MANE Select); coding-DNA position 6220, G replaced by C.
Protein change: p.Glu2074Gln; replaces glutamic acid 2074 with glutamine.
Molecular consequence: missense variant.
Genome position (GRCh38, 1-based): chr1:152,308,666, C>G on the plus strand (G>C on the coding strand, the complement: FLG is on the minus strand). VCF-style: chr1-152308666-C-G. GRCh37 (hg19) VCF-style: chr1-152281142-C-G.
Other names: short protein forms E2074Q.
Identifiers: ClinVar variation 1183365 (VCV001183365.29), dbSNP rs141120727, ClinGen allele CA1105363.